The following is an entry in ClinVar:

NM_000307.5(POU3F4):c.248C>T (p.Pro83Leu)

Gene: POU3F4 (POU class 3 homeobox 4; plus strand). Cytogenetic location: Xq21.1.
Variant type: single nucleotide variant.
Coding change: c.248C>T on transcript NM_000307.5 (MANE Select); coding-DNA position 248, C replaced by T.
Protein change: p.Pro83Leu; replaces proline 83 with leucine.
Molecular consequence: missense variant.
Genome position (GRCh38, 1-based): chrX:83,508,572, C>T. VCF-style: chrX-83508572-C-T. GRCh37 (hg19) VCF-style: chrX-82763580-C-T.
Other names: short protein forms P83L.
Identifiers: ClinVar variation 3901653 (VCV003901653.1).

ClinVar aggregate classification (germline): Uncertain significance (1 of 4 stars; one submission).

Submission:

GeneDx
Classification: Uncertain significance. Last evaluated: 2024-12-03. Review status: criteria provided, single submitter. Criteria: GeneDx Variant Classification Process June 2021. Collection method: clinical testing. Allele origin: germline. Affected: yes.
Comment: In silico analysis supports that this missense variant has a deleterious effect on protein structure/function; Has not been previously published as pathogenic or benign to our knowledge